The following is an entry in ClinVar:

NC_000005.9:g.(?_60223572)_(60241229_?)del

Genes: ERCC8 (ERCC excision repair 8, CSA ubiquitin ligase complex subunit; minus strand), NDUFAF2 (NADH:ubiquinone oxidoreductase complex assembly factor 2; plus strand). Cytogenetic location: 5q12.1.
Variant type: Deletion.
Identifiers: ClinVar variation 3246431 (VCV003246431.1).

ClinVar aggregate classification (germline): Pathogenic (1 of 4 stars; one submission).

Submission:

Labcorp Genetics (formerly Invitae), Labcorp
Classification: Pathogenic. Last evaluated: 2023-04-06. Review status: criteria provided, single submitter. Criteria: Invitae Variant Classification Sherloc (09022015). Collection method: clinical testing. Allele origin: unknown.
Comment: For these reasons, this variant has been classified as Pathogenic. This variant has not been reported in the literature in individuals affected with ERCC8-related conditions. This variant is a gross deletion of the genomic region encompassing exon(s) 1-2 of the ERCC8 gene, which includes the initiator codon. This deletion extends beyond the assayed region for this gene and therefore may encompass additional genes. It is expected to result in an absent or disrupted protein product. Loss-of-function variants in ERCC8 are known to be pathogenic (PMID: 29572252).

Literature cited by the submitters: PubMed 29572252.